The following is an entry in ClinVar:

ClinVar aggregate classification (germline): Uncertain significance. Review status: criteria provided, multiple submitters, no conflicts (2 of 4 stars). 3 submissions from 3 submitters: Uncertain significance (3). Last evaluated 2026-08-12.

Conditions:
Arrhythmogenic right ventricular dysplasia 12. Also called: ARRHYTHMOGENIC RIGHT VENTRICULAR DYSPLASIA, FAMILIAL, 12. Identifiers: MedGen C1969081, MONDO:0012684, OMIM 611528.
Naxos disease (NXD). Also called: PALMOPLANTAR KERATODERMA WITH ARRHYTHMOGENIC RIGHT VENTRICULAR CARDIOMYOPATHY AND WOOLLY HAIR; WOOLLY HAIR, PALMOPLANTAR KERATODERMA, AND CARDIAC ABNORMALITIES; KERATOSIS PALMOPLANTARIS WITH ARRHYTHMOGENIC CARDIOMYOPATHY; MAL DE NAXOS; CARDIOMYOPATHY, ARRHYTHMOGENIC RIGHT VENTRICULAR, WITH SKIN, HAIR, AND NAIL ABNORMALITIES. Identifiers: Orphanet 34217, MedGen C1832600, MONDO:0011017, OMIM 601214.
Cardiovascular phenotype. Identifiers: MedGen CN230736.

Allele frequency attached by ClinVar (database versions not stated): gnomAD 0.00001.
gnomAD v4.1: 15 of 1,603,682 alleles (0.00094%); highest among the groups gnomAD compares: Middle Eastern, 0.016%; no homozygotes.

Submissions (3):

Ambry Genetics
Classification: Uncertain significance for Cardiovascular phenotype. Last evaluated: 2026-08-12. Review status: criteria provided, single submitter. Criteria: Ambry Variant Classification Scheme 2023. Collection method: clinical testing. Allele origin: germline.
Comment: The c.698G>A (p.R233H) alteration is located in exon 4 (coding exon 3) of the JUP gene. This alteration results from a G to A substitution at nucleotide position 698, causing the arginine (R) at amino acid position 233 to be replaced by a histidine (H). Based on data from gnomAD, the A allele has an overall frequency of <0.001% (1/262670) total alleles studied. The highest observed frequency was 0.005% (1/19008) of East Asian alleles. Based on insufficient or conflicting evidence, the clinical significance of this alteration remains unclear.

Labcorp Genetics (formerly Invitae), Labcorp
Classification: Uncertain significance for Arrhythmogenic right ventricular dysplasia 12; Naxos disease. Last evaluated: 2024-06-05. Review status: criteria provided, single submitter. Criteria: Invitae Variant Classification Sherloc (09022015). Collection method: clinical testing. Allele origin: germline.
Comment: This sequence change replaces arginine, which is basic and polar, with histidine, which is basic and polar, at codon 233 of the JUP protein (p.Arg233His). This variant is present in population databases (no rsID available, gnomAD 0.006%). This variant has not been reported in the literature in individuals affected with JUP-related conditions. ClinVar contains an entry for this variant (Variation ID: 1019764). An algorithm developed to predict the effect of missense changes on protein structure and function (PolyPhen-2) suggests that this variant is likely to be disruptive. In summary, the available evidence is currently insufficient to determine the role of this variant in disease. Therefore, it has been classified as a Variant of Uncertain Significance.

Blueprint Genetics
Classification: Uncertain significance. Last evaluated: 2020-05-05. Review status: criteria provided, single submitter. Criteria: ACMG Guidelines, 2015. Collection method: clinical testing. Allele origin: germline.

NM_002230.4(JUP):c.698G>A (p.Arg233His)

Gene: JUP (junction plakoglobin; minus strand). Cytogenetic location: 17q21.2.
Variant type: single nucleotide variant.
Coding change: c.698G>A on transcript NM_002230.4 (MANE Select); coding-DNA position 698, G replaced by A.
Protein change: p.Arg233His; replaces arginine 233 with histidine.
Molecular consequence: missense variant.
Genome position (GRCh38, 1-based): chr17:41,768,978, C>T on the plus strand (G>A on the coding strand, the complement: JUP is on the minus strand). VCF-style: chr17-41768978-C-T. GRCh37 (hg19) VCF-style: chr17-39925230-C-T.
Other names: c.698G>A (NM_002230.2); c.698G>A, p.Arg233His (NM_001352773.2, NM_001352774.2, NM_001352775.2 and 3 more transcripts); short protein forms R233H.
Identifiers: ClinVar variation 1019764 (VCV001019764.11), dbSNP rs1304500107, ClinGen allele CA399502235.